The following is an entry in ClinVar:

NM_032444.4(SLX4):c.2002G>A (p.Gly668Ser)

Gene: SLX4 (SLX4 structure-specific endonuclease subunit; minus strand). Cytogenetic location: 16p13.3.
Variant type: single nucleotide variant.
Coding change: c.2002G>A on transcript NM_032444.4 (MANE Select); coding-DNA position 2002, G replaced by A.
Protein change: p.Gly668Ser; replaces glycine 668 with serine.
Molecular consequence: missense variant.
Genome position (GRCh38, 1-based): chr16:3,595,616, C>T on the plus strand (G>A on the coding strand, the complement: SLX4 is on the minus strand). VCF-style: chr16-3595616-C-T. GRCh37 (hg19) VCF-style: chr16-3645617-C-T.
Other names: short protein forms G668S.
Identifiers: ClinVar variation 1909970 (VCV001909970.3), dbSNP rs970090954, ClinGen allele CA276961962.

ClinVar aggregate classification (germline): Conflicting classifications of pathogenicity. Review status: criteria provided, conflicting classifications (1 of 4 stars). 2 submissions from 2 submitters: Uncertain significance (1); Likely benign (1). Last evaluated 2025-01-03.

Conditions:
Fanconi anemia (FA). Also called: Fanconi's anemia. Identifiers: Orphanet 84, MedGen C0015625, MeSH D005199, MONDO:0019391.
Inborn genetic diseases. Identifiers: MedGen C0950123, MeSH D030342.

Allele frequency attached by ClinVar (database versions not stated): gnomAD exomes 0.00001; gnomAD 0.00003; TOPMed 0.00003.
gnomAD v4.1: 24 of 1,613,754 alleles (0.0015%); highest among the groups gnomAD compares: Admixed American, 0.005%; no homozygotes.

Submissions (2):

Ambry Genetics
Classification: Likely benign for Inborn genetic diseases. Last evaluated: 2025-01-03. Review status: criteria provided, single submitter. Criteria: Ambry Variant Classification Scheme 2023. Collection method: clinical testing. Allele origin: germline.

Labcorp Genetics (formerly Invitae), Labcorp
Classification: Uncertain significance for Fanconi anemia. Last evaluated: 2022-06-27. Review status: criteria provided, single submitter. Criteria: Invitae Variant Classification Sherloc (09022015). Collection method: clinical testing. Allele origin: germline.
Comment: This sequence change replaces glycine, which is neutral and non-polar, with serine, which is neutral and polar, at codon 668 of the SLX4 protein (p.Gly668Ser). This variant is present in population databases (no rsID available, gnomAD 0.006%). This variant has not been reported in the literature in individuals affected with SLX4-related conditions. Algorithms developed to predict the effect of missense changes on protein structure and function output the following: SIFT: "Tolerated"; PolyPhen-2: "Benign"; Align-GVGD: "Class C0". The serine amino acid residue is found in multiple mammalian species, which suggests that this missense change does not adversely affect protein function. In summary, the available evidence is currently insufficient to determine the role of this variant in disease. Therefore, it has been classified as a Variant of Uncertain Significance.